The following is an entry in ClinVar:

ClinVar aggregate classification (germline): Uncertain significance (1 of 4 stars; one submission).

Conditions:
Neurofibromatosis, type 2 (SWNV). Also called: NF2-Related Schwannomatosis; BILATERAL ACOUSTIC NEUROFIBROMATOSIS; SCHWANNOMATOSIS, VESTIBULAR. Identifiers: Orphanet 637, MedGen C0027832, MONDO:0007039, OMIM 101000. Disease mechanism: loss of function.

Submission:

Labcorp Genetics (formerly Invitae), Labcorp
Classification: Uncertain significance for Neurofibromatosis, type 2. Last evaluated: 2019-10-19. Review status: criteria provided, single submitter. Criteria: Invitae Variant Classification Sherloc (09022015). Collection method: clinical testing. Allele origin: germline.
Comment: This variant is not present in population databases (ExAC no frequency). This variant has not been reported in the literature in individuals with NF2-related disease. Algorithms developed to predict the effect of missense changes on protein structure and function (SIFT, PolyPhen-2, Align-GVGD) all suggest that this variant is likely to be tolerated, but these predictions have not been confirmed by published functional studies and their clinical significance is uncertain. In summary, the available evidence is currently insufficient to determine the role of this variant in disease. Therefore, it has been classified as a Variant of Uncertain Significance. This sequence change replaces serine with alanine at codon 377 of the NF2 protein (p.Ser377Ala). The serine residue is highly conserved and there is a moderate physicochemical difference between serine and alanine.

NM_000268.4(NF2):c.1129T>G (p.Ser377Ala)

Gene: NF2 (NF2, moesin-ezrin-radixin like (MERLIN) tumor suppressor; plus strand). Cytogenetic location: 22q12.2.
Variant type: single nucleotide variant.
Coding change: c.1129T>G on transcript NM_000268.4 (MANE Select); coding-DNA position 1129, T replaced by G.
Protein change: p.Ser377Ala; replaces serine 377 with alanine.
Molecular consequence: missense variant. On other transcripts: non-coding transcript variant (1), intron variant (1).
Genome position (GRCh38, 1-based): chr22:29,673,275, T>G. VCF-style: chr22-29673275-T-G. GRCh37 (hg19) VCF-style: chr22-30069264-T-G.
Other names: c.1129T>G, p.Ser377Ala (NM_016418.5, NM_181825.3, NM_181832.3); c.1003T>G, p.Ser335Ala (NM_181828.3); c.1006T>G, p.Ser336Ala (NM_181829.3); c.880T>G, p.Ser294Ala (NM_181830.3, NM_181831.3); c.448-21477T>G (NM_181833.3); short protein forms S377A, S294A, S335A, S336A.
Identifiers: ClinVar variation 581638 (VCV000581638.11), dbSNP rs1569305865, ClinGen allele CA411147970.